The following is an entry in ClinVar:

NM_001903.5(CTNNA1):c.1122G>T (p.Lys374Asn)

Gene: CTNNA1 (catenin alpha 1; plus strand). Cytogenetic location: 5q31.2.
Variant type: single nucleotide variant.
Coding change: c.1122G>T on transcript NM_001903.5 (MANE Select); coding-DNA position 1122, G replaced by T.
Protein change: p.Lys374Asn; replaces lysine 374 with asparagine.
Molecular consequence: missense variant. On other transcripts: 5 prime UTR variant (5), intron variant (2).
Genome position (GRCh38, 1-based): chr5:138,886,271, G>T. VCF-style: chr5-138886271-G-T. GRCh37 (hg19) VCF-style: chr5-138221960-G-T.
Other names: c.1122G>T (NM_001903.2); c.1122G>T, p.Lys374Asn (NM_001290307.3, NM_001323982.2, NM_001323983.1 and 3 more transcripts); c.813G>T, p.Lys271Asn (NM_001290309.3); c.753G>T, p.Lys251Asn (NM_001290310.3); c.12G>T, p.Lys4Asn (NM_001290312.1, NM_001323987.1, NM_001323988.1 and 18 more transcripts); c.-386G>T (NM_001324006.1, NM_001324007.1, NM_001324008.1 and 1 more transcripts); c.-261G>T (NM_001324013.1); c.-58+10674G>T (NM_001324012.1); and 1 more; short protein forms K251N, K271N, K4N, K374N.
Identifiers: ClinVar variation 1510108 (VCV001510108.7), dbSNP rs2150024361, ClinGen allele CA361132604.

ClinVar aggregate classification (germline): Uncertain significance. Review status: criteria provided, multiple submitters, no conflicts (2 of 4 stars). 2 submissions from 2 submitters: Uncertain significance (2). Last evaluated 2025-08-03.

Conditions:
Hereditary cancer-predisposing syndrome. Also called: Hereditary neoplastic syndrome; Neoplastic Syndromes, Hereditary; Tumor predisposition; Hereditary Cancer Syndrome. Identifiers: Orphanet 140162, MedGen C0027672, MeSH D009386, MONDO:0015356.

Submissions (2):

Ambry Genetics
Classification: Uncertain significance for Hereditary cancer-predisposing syndrome. Last evaluated: 2025-08-03. Review status: criteria provided, single submitter. Criteria: Ambry Variant Classification Scheme 2023. Collection method: clinical testing. Allele origin: germline.
Comment: The p.K374N variant (also known as c.1122G>T), located in coding exon 7 of the CTNNA1 gene, results from a G to T substitution at nucleotide position 1122. The lysine at codon 374 is replaced by asparagine, an amino acid with similar properties. This amino acid position is conserved. In addition, this alteration is predicted to be tolerated by in silico analysis. Based on the available evidence, the clinical significance of this variant remains unclear.

Labcorp Genetics (formerly Invitae), Labcorp
Classification: Uncertain significance. Last evaluated: 2021-08-04. Review status: criteria provided, single submitter. Criteria: Invitae Variant Classification Sherloc (09022015). Collection method: clinical testing. Allele origin: germline.
Comment: In summary, the available evidence is currently insufficient to determine the role of this variant in disease. Therefore, it has been classified as a Variant of Uncertain Significance. Algorithms developed to predict the effect of missense changes on protein structure and function are either unavailable or do not agree on the potential impact of this missense change (SIFT: "Deleterious"; PolyPhen-2: "Probably Damaging"; Align-GVGD: "Class C0"). This variant has not been reported in the literature in individuals affected with CTNNA1-related conditions. This variant is not present in population databases (ExAC no frequency). This sequence change replaces lysine with asparagine at codon 374 of the CTNNA1 protein (p.Lys374Asn). The lysine residue is highly conserved and there is a moderate physicochemical difference between lysine and asparagine.